The following is an entry in ClinVar:

NM_024809.5(TCTN2):c.367dup (p.Leu123fs)

Gene: TCTN2 (tectonic family member 2; plus strand). Cytogenetic location: 12q24.31.
Variant type: Duplication.
Coding change: c.367dup on transcript NM_024809.5 (MANE Select); coding-DNA position 367, one base duplicated (C; older notation c.367dupC).
Protein change: p.Leu123fs; shifts the reading frame from leucine 123.
Molecular consequence: frameshift variant.
Genome position (GRCh38, 1-based): chr12:123,673,714, C duplicated; the last of 3 consecutive C bases (chr12:123,673,712-123,673,714); duplicating any one gives the same sequence. VCF-style (leftmost placement, unchanged base first): chr12-123673711-A-AC. GRCh37 (hg19) VCF-style: chr12-124158258-A-AC.
Other names: c.364dup, p.Leu122fs (NM_001143850.3); c.367dupC (NM_024809.4); short protein forms L122fs, L123fs.
Identifiers: ClinVar variation 571826 (VCV000571826.7), dbSNP rs748951253, ClinGen allele CA891844310.
Genomic context (GRCh38, chr12:123,673,711, plus strand): 5'-CTGGACTGGTGTTCCTCCAATGAGACAGATTCCTTCTCAGAGTCCCCCTGTATCCTCCAG[A>AC]CCCTTCTGGTTTCAGCATCTCATAATTCATCCTGTTCAGCACATCTACTCATTCAAGTGG-3'

ClinVar aggregate classification (germline): Pathogenic (1 of 4 stars; one submission).

Conditions:
Meckel-Gruber syndrome. Also called: Dysencephalia splachnocystica; DYSENCEPHALIA SPLANCHNOCYSTICA; GRUBER SYNDROME. Identifiers: Orphanet 564, MedGen C0265215, MONDO:0018921.
Joubert syndrome. Also called: Familial aplasia of the vermis; CEREBELLOPARENCHYMAL DISORDER IV; JOUBERT-BOLTSHAUSER SYNDROME. Identifiers: Orphanet 475, MedGen C5979921, MONDO:0018772.

Allele frequency attached by ClinVar (database versions not stated): gnomAD 0.00001; gnomAD exomes 0.00001; ExAC 0.00002.

Submission:

Labcorp Genetics (formerly Invitae), Labcorp
Classification: Pathogenic for Joubert syndrome; Meckel-Gruber syndrome. Last evaluated: 2021-12-08. Review status: criteria provided, single submitter. Criteria: Invitae Variant Classification Sherloc (09022015). Collection method: clinical testing. Allele origin: germline.
Comment: This sequence change creates a premature translational stop signal (p.Leu123Profs*8) in the TCTN2 gene. It is expected to result in an absent or disrupted protein product. Loss-of-function variants in TCTN2 are known to be pathogenic (PMID: 21565611). This variant is not present in population databases (gnomAD no frequency). This variant has not been reported in the literature in individuals affected with TCTN2-related conditions. ClinVar contains an entry for this variant (Variation ID: 571826). For these reasons, this variant has been classified as Pathogenic.

Literature cited by the submitters: PubMed 21565611.